The following is an entry in ClinVar:

ClinVar aggregate classification (germline): Uncertain significance (1 of 4 stars; one submission).

Conditions:
Genitopatellar syndrome (GTPTS). Also called: ABSENT PATELLAE, SCROTAL HYPOPLASIA, RENAL ANOMALIES, FACIAL DYSMORPHISM, AND MENTAL RETARDATION; Genitopatellar syndrome (GPS). Identifiers: Orphanet 85201, MedGen C1853566, MONDO:0011640, OMIM 606170.

Allele frequency attached by ClinVar (database versions not stated): gnomAD exomes below 0.00001; gnomAD 0.00001; TOPMed 0.00001.
gnomAD v4.1: 5 of 1,600,108 alleles (0.00031%); highest among the groups gnomAD compares: Middle Eastern, 0.017%; no homozygotes.

Submission:

Labcorp Genetics (formerly Invitae), Labcorp
Classification: Uncertain significance for Genitopatellar syndrome. Last evaluated: 2025-03-10. Review status: criteria provided, single submitter. Criteria: Invitae Variant Classification Sherloc (09022015). Collection method: clinical testing. Allele origin: germline.
Comment: This sequence change replaces glutamic acid, which is acidic and polar, with lysine, which is basic and polar, at codon 1104 of the KAT6B protein (p.Glu1104Lys). This variant is not present in population databases (gnomAD no frequency). This variant has not been reported in the literature in individuals affected with KAT6B-related conditions. ClinVar contains an entry for this variant (Variation ID: 1966392). Invitae Evidence Modeling of protein sequence and biophysical properties (such as structural, functional, and spatial information, amino acid conservation, physicochemical variation, residue mobility, and thermodynamic stability) indicates that this missense variant is not expected to disrupt KAT6B protein function with a negative predictive value of 80%. In summary, the available evidence is currently insufficient to determine the role of this variant in disease. Therefore, it has been classified as a Variant of Uncertain Significance.

NM_012330.4(KAT6B):c.3310G>A (p.Glu1104Lys)

Gene: KAT6B (lysine acetyltransferase 6B; plus strand). Cytogenetic location: 10q22.2.
Variant type: single nucleotide variant.
Coding change: c.3310G>A on transcript NM_012330.4 (MANE Select); coding-DNA position 3310, G replaced by A.
Protein change: p.Glu1104Lys; replaces glutamic acid 1104 with lysine.
Molecular consequence: missense variant.
Genome position (GRCh38, 1-based): chr10:75,022,169, G>A. VCF-style: chr10-75022169-G-A. GRCh37 (hg19) VCF-style: chr10-76781927-G-A.
Other names: c.2761G>A, p.Glu921Lys (NM_001256468.2, NM_001370138.1); c.2434G>A, p.Glu812Lys (NM_001256469.2, NM_001370139.1, NM_001370140.1 and 2 more transcripts); c.2272G>A, p.Glu758Lys (NM_001370132.1); c.1621G>A, p.Glu541Lys (NM_001370133.1); c.1225G>A, p.Glu409Lys (NM_001370134.1); c.967G>A, p.Glu323Lys (NM_001370135.1); c.3310G>A, p.Glu1104Lys (NM_001370136.1, NM_001370137.1); c.2245G>A, p.Glu749Lys (NM_001370143.1, NM_001370144.1); short protein forms E409K, E541K, E749K, E1104K, E758K, E921K, E323K, E812K.
Identifiers: ClinVar variation 1966392 (VCV001966392.5), dbSNP rs1369563772, ClinGen allele CA377284944.